The following is an entry in ClinVar:

NM_001035.3(RYR2):c.11132T>A (p.Val3711Glu)

Gene: RYR2 (ryanodine receptor 2; plus strand). Cytogenetic location: 1q43.
Variant type: single nucleotide variant.
Coding change: c.11132T>A on transcript NM_001035.3 (MANE Select); coding-DNA position 11132, T replaced by A.
Protein change: p.Val3711Glu; replaces valine 3711 with glutamic acid.
Molecular consequence: missense variant.
Genome position (GRCh38, 1-based): chr1:237,742,336, T>A. VCF-style: chr1-237742336-T-A. GRCh37 (hg19) VCF-style: chr1-237905636-T-A.
Other names: short protein forms V3711E.
Identifiers: ClinVar variation 505023 (VCV000505023.11), dbSNP rs1036775644, ClinGen allele CA39821262.
Genomic context (GRCh38, chr1:237,742,336, plus strand): 5'-TTTTTTTTTTAAATATACAGAGTTGTCATGATGAGGAAGATGACGATGGTGAAGAGGAAG[T>A]GAAGAGTTTTGAAGTAAGATGGATCTTTCTGGATTTGCCTTTCTTTCTATCTTGAAACAT-3'
Protein context (NP_001026.2, residues 3701-3721): DEEDDDGEEE[Val3711Glu]KSFEEKEMEK

ClinVar aggregate classification (germline): Uncertain significance. Review status: criteria provided, multiple submitters, no conflicts (2 of 4 stars). 4 submissions from 4 submitters: Uncertain significance (4). Last evaluated 2025-12-07.

Conditions:
Catecholaminergic polymorphic ventricular tachycardia 1. Also called: VENTRICULAR TACHYCARDIA, CATECHOLAMINERGIC POLYMORPHIC, 1, WITH OR WITHOUT ATRIAL DYSFUNCTION AND/OR DILATED CARDIOMYOPATHY; RYR2-Related Catecholaminergic Polymorphic Ventricular Tachycardia; VENTRICULAR TACHYCARDIA, STRESS-INDUCED POLYMORPHIC 1. Identifiers: Orphanet 3286, MedGen C1631597, MONDO:0011484, OMIM 604772.
Cardiovascular phenotype. Identifiers: MedGen CN230736.

Allele frequency attached by ClinVar (database versions not stated): gnomAD 0.00003 and 0.00004; TOPMed 0.00002.

Submissions (4):

GeneDx
Classification: Uncertain significance. Last evaluated: 2025-12-07. Review status: criteria provided, single submitter. Criteria: GeneDx Variant Classification Process June 2021. Collection method: clinical testing. Allele origin: germline.
Comment: Observed in one patient from a cohort of individuals with left ventricular noncompaction (PMID: 33500567); In silico analysis suggests that this missense variant does not alter protein structure/function; Not observed at significant frequency in large population cohorts (gnomAD); Not located in one of the three hot-spot regions of the RYR2 gene, where the majority of pathogenic missense variants occur (PMID: 19926015); This variant is associated with the following publications: (PMID: 19926015, 33500567)

Labcorp Genetics (formerly Invitae), Labcorp
Classification: Uncertain significance for Catecholaminergic polymorphic ventricular tachycardia 1. Last evaluated: 2023-12-11. Review status: criteria provided, single submitter. Criteria: Invitae Variant Classification Sherloc (09022015). Collection method: clinical testing. Allele origin: germline.
Comment: This sequence change replaces valine, which is neutral and non-polar, with glutamic acid, which is acidic and polar, at codon 3711 of the RYR2 protein (p.Val3711Glu). This variant is not present in population databases (gnomAD no frequency). This missense change has been observed in individual(s) with left ventricular noncompaction (PMID: 33500567). ClinVar contains an entry for this variant (Variation ID: 505023). Advanced modeling of protein sequence and biophysical properties (such as structural, functional, and spatial information, amino acid conservation, physicochemical variation, residue mobility, and thermodynamic stability) performed at Invitae indicates that this missense variant is not expected to disrupt RYR2 protein function with a negative predictive value of 95%. In summary, the available evidence is currently insufficient to determine the role of this variant in disease. Therefore, it has been classified as a Variant of Uncertain Significance.

Ambry Genetics
Classification: Uncertain significance for Cardiovascular phenotype. Last evaluated: 2022-08-31. Review status: criteria provided, single submitter. Criteria: Ambry Variant Classification Scheme 2023. Collection method: clinical testing. Allele origin: germline.
Comment: The p.V3711E variant (also known as c.11132T>A), located in coding exon 80 of the RYR2 gene, results from a T to A substitution at nucleotide position 11132. The valine at codon 3711 is replaced by glutamic acid, an amino acid with dissimilar properties. This alteration has been reported in a left ventricular non-compaction (LVNC) cohort; however, clinical details were limited (Mazzarotto F et al. Genet Med, 2021 05;23:856-864). This amino acid position is highly conserved in available vertebrate species. In addition, this alteration is predicted to be deleterious by in silico analysis. Since supporting evidence is limited at this time, the clinical significance of this alteration remains unclear.

Laboratory for Molecular Medicine, Mass General Brigham Personalized Medicine
Classification: Uncertain significance. Last evaluated: 2016-05-27. Review status: criteria provided, single submitter. Criteria: LMM Criteria. Collection method: clinical testing. Allele origin: germline. Observed: 1 variant allele.
Comment: The p.Val3711Glu variant in RYR2 has not been previously reported in individuals with cardiomyopathy or in large population studies. Computational prediction to ols and conservation analysis do not provide strong support for or against an im pact to the protein. In summary, the clinical significance of the p.Val3711Glu v ariant is uncertain.

Literature cited by the submitters: PubMed 33500567 (cited by Labcorp Genetics (formerly Invitae), Labcorp and Ambry Genetics).